The following is an entry in ClinVar:

ClinVar aggregate classification (germline): Likely benign (1 of 4 stars; one submission).

gnomAD v4.1: 1 of 1,563,926 alleles (0.000064%); highest among the groups gnomAD compares: Non-Finnish European, 0.000086%; no homozygotes.

Submission:

CeGaT Center for Human Genetics Tuebingen
Classification: Likely benign. Last evaluated: 2022-07-01. Review status: criteria provided, single submitter. Criteria: CeGaT Center For Human Genetics Tuebingen Variant Classification Criteria Version 2. Collection method: clinical testing. Allele origin: germline. Affected: yes. Observed: 1 variant allele.
Comment: COG1: PM2:Supporting, BP4, BP7

NM_018714.3(COG1):c.252C>T (p.Asp84=)

Gene: COG1 (component of oligomeric golgi complex 1; plus strand). Cytogenetic location: 17q25.1.
Variant type: single nucleotide variant.
Coding change: c.252C>T on transcript NM_018714.3 (MANE Select); coding-DNA position 252, C replaced by T.
Protein change: p.Asp84=; no amino-acid change (aspartic acid 84 retained).
Molecular consequence: synonymous variant.
Genome position (GRCh38, 1-based): chr17:73,193,321, C>T. VCF-style: chr17-73193321-C-T. GRCh37 (hg19) VCF-style: chr17-71189460-C-T.
Identifiers: ClinVar variation 2648173 (VCV002648173.24), dbSNP rs1042272764, ClinGen allele CA293797158.